The following is an entry in ClinVar:

NM_001252102.2(KIF21B):c.2096C>T (p.Thr699Ile)

Gene: KIF21B (kinesin family member 21B; minus strand). Cytogenetic location: 1q32.1.
Variant type: single nucleotide variant.
Coding change: c.2096C>T on transcript NM_001252102.2 (MANE Select); coding-DNA position 2096, C replaced by T.
Protein change: p.Thr699Ile; replaces threonine 699 with isoleucine.
Molecular consequence: missense variant.
Genome position (GRCh38, 1-based): chr1:200,996,377, G>A on the plus strand (C>T on the coding strand, the complement: KIF21B is on the minus strand). VCF-style: chr1-200996377-G-A. GRCh37 (hg19) VCF-style: chr1-200965505-G-A.
Other names: c.2096C>T, p.Thr699Ile (NM_001252100.2, NM_001252103.2, NM_017596.4); short protein forms T699I.
Identifiers: ClinVar variation 3767471 (VCV003767471.1).
Genomic context (GRCh38, chr1:200,996,377, plus strand): 5'-CGGTTCATCTCCCGCAGCCTCTTCTCATAGTCTGCCTTGATCTTGTTGGCCTTCTCCTCA[G>A]TATAGCACTCCATGGTGCCTGAGAGCAAGGAGACGCAGCTGTCGGTGCTGGGTCCCTAAG-3'
Protein context (NP_001239031.1, residues 689-709): LQNLSTMECY[Thr699Ile]EEKANKIKAD

ClinVar aggregate classification (germline): Uncertain significance (1 of 4 stars; one submission).

Submission:

GeneDx
Classification: Uncertain significance. Last evaluated: 2024-09-06. Review status: criteria provided, single submitter. Criteria: GeneDx Variant Classification Process June 2021. Collection method: clinical testing. Allele origin: germline. Affected: yes.
Comment: Not observed at significant frequency in large population cohorts (gnomAD); In silico analysis supports that this missense variant has a deleterious effect on protein structure/function; Has not been previously published as pathogenic or benign to our knowledge